The following is an entry in ClinVar:

NM_001165963.4(SCN1A):c.5209A>G (p.Lys1737Glu)

Genes: SCN1A (sodium voltage-gated channel alpha subunit 1; minus strand), LOC102724058 (uncharacterized LOC102724058; plus strand). Cytogenetic location: 2q24.3.
Variant type: single nucleotide variant.
Coding change: c.5209A>G on transcript NM_001165963.4 (MANE Select); coding-DNA position 5209, A replaced by G.
Protein change: p.Lys1737Glu; replaces lysine 1737 with glutamic acid.
Molecular consequence: missense variant. On other transcripts: non-coding transcript variant (1).
Genome position (GRCh38, 1-based): chr2:165,992,066, T>C on the plus strand (A>G on the coding strand, the complement: SCN1A is on the minus strand). VCF-style: chr2-165992066-T-C. GRCh37 (hg19) VCF-style: chr2-166848576-T-C.
Other names: c.5125A>G, p.Lys1709Glu (NM_001165964.3, NM_001353957.2, NM_001353958.2); c.5209A>G, p.Lys1737Glu (NM_001202435.3, NM_001353948.2); c.5176A>G, p.Lys1726Glu (NM_001353949.2, NM_001353950.2, NM_001353951.2 and 2 more transcripts); c.5173A>G, p.Lys1725Glu (NM_001353954.2, NM_001353955.2); c.5122A>G, p.Lys1708Glu (NM_001353960.2); c.2767A>G, p.Lys923Glu (NM_001353961.2); short protein forms K1708E, K1737E, K1709E, K1725E, K1726E, K923E.
Identifiers: ClinVar variation 917698 (VCV000917698.5), dbSNP rs1553520293, ClinGen allele CA349068599.

ClinVar aggregate classification (germline): Uncertain significance. Review status: criteria provided, multiple submitters, no conflicts (2 of 4 stars). 3 submissions from 3 submitters: Uncertain significance (3). Last evaluated 2023-07-27.

Conditions:
Early-infantile DEE. Also called: Early infantile epileptic encephalopathy with suppression bursts; Ohtahara syndrome; Early infantile epileptic encephalopathy. Identifiers: Orphanet 1934, MedGen C0393706, MONDO:0800491.

Submissions (3):

Labcorp Genetics (formerly Invitae), Labcorp
Classification: Uncertain significance for Early-infantile DEE. Last evaluated: 2023-07-27. Review status: criteria provided, single submitter. Criteria: Invitae Variant Classification Sherloc (09022015). Collection method: clinical testing. Allele origin: germline.
Comment: In summary, the available evidence is currently insufficient to determine the role of this variant in disease. Therefore, it has been classified as a Variant of Uncertain Significance. Advanced modeling of protein sequence and biophysical properties (such as structural, functional, and spatial information, amino acid conservation, physicochemical variation, residue mobility, and thermodynamic stability) performed at Invitae indicates that this missense variant is not expected to disrupt SCN1A protein function. ClinVar contains an entry for this variant (Variation ID: 917698). This variant has not been reported in the literature in individuals affected with SCN1A-related conditions. This variant is not present in population databases (gnomAD no frequency). This sequence change replaces lysine, which is basic and polar, with glutamic acid, which is acidic and polar, at codon 1737 of the SCN1A protein (p.Lys1737Glu).

GeneDx
Classification: Uncertain significance. Last evaluated: 2022-10-23. Review status: criteria provided, single submitter. Criteria: GeneDx Variant Classification Process June 2021. Collection method: clinical testing. Allele origin: germline. Affected: yes.
Comment: Not observed at significant frequency in large population cohorts (gnomAD); Missense variants in this gene are often considered pathogenic (HGMD); In silico analysis supports that this missense variant does not alter protein structure/function; Has not been previously published as pathogenic or benign to our knowledge; This substitution is predicted to be within the extracellular loop between the S5 and S6 transmembrane segments of the fourth homologous domain

Women's Health and Genetics/Laboratory Corporation of America, LabCorp
Classification: Uncertain significance. Last evaluated: 2020-02-11. Review status: criteria provided, single submitter. Criteria: LabCorp Variant Classification Summary - May 2015. Collection method: clinical testing. Allele origin: germline.
Comment: Variant summary: SCN1A c.5209A>G (p.Lys1737Glu) results in a conservative amino acid change located in the Ion transport domain (IPR005821) of the encoded protein sequence. Four of five in-silico tools predict a benign effect of the variant on protein function. The variant was absent in 251240 control chromosomes (gnomAD). The available data on variant occurrences in the general population are insufficient to allow any conclusion about variant significance. To our knowledge, no occurrence of c.5209A>G in individuals affected with SCN1A-Related Seizure Disorder and no experimental evidence demonstrating its impact on protein function have been reported. No clinical diagnostic laboratories have submitted clinical-significance assessments for this variant to ClinVar after 2014. Based on the evidence outlined above, the variant was classified as uncertain significance.